The following is an entry in ClinVar:

ClinVar aggregate classification (germline): Uncertain significance. Review status: criteria provided, multiple submitters, no conflicts (2 of 4 stars). 2 submissions from 2 submitters: Uncertain significance (2). Last evaluated 2021-11-27.

Conditions:
Angioedema, hereditary, 4. Identifiers: MedGen C5543503, MONDO:0025712, OMIM 619360.
Plasminogen deficiency, type I. Also called: Type 1 plasminogen deficiency; Hypoplasminogenemia. Identifiers: Orphanet 722, MedGen C1968804, MONDO:0009009, OMIM 217090.

Allele frequency attached by ClinVar (database versions not stated): ExAC 0.00001.

Submissions (2):

Fulgent Genetics
Classification: Uncertain significance for Plasminogen deficiency, type I; Angioedema, hereditary, 4. Last evaluated: 2021-11-27. Review status: criteria provided, single submitter. Criteria: ACMG Guidelines, 2015. Collection method: clinical testing. Allele origin: unknown.

Baylor Genetics
Classification: Uncertain significance for Plasminogen deficiency, type I. Last evaluated: 2020-07-08. Review status: criteria provided, single submitter. Criteria: ACMG Guidelines, 2015. Collection method: clinical testing. Allele origin: unknown. Affected: yes.
Comment: This variant was determined to be of uncertain significance according to ACMG Guidelines, 2015 [PMID:25741868].

NM_000301.5(PLG):c.466G>A (p.Asp156Asn)

Gene: PLG (plasminogen; plus strand). Cytogenetic location: 6q26.
Variant type: single nucleotide variant.
Coding change: c.466G>A on transcript NM_000301.5 (MANE Select); coding-DNA position 466, G replaced by A.
Protein change: p.Asp156Asn; replaces aspartic acid 156 with asparagine.
Molecular consequence: missense variant.
Genome position (GRCh38, 1-based): chr6:160,713,044, G>A. VCF-style: chr6-160713044-G-A. GRCh37 (hg19) VCF-style: chr6-161134076-G-A.
Other names: short protein forms D156N.
Identifiers: ClinVar variation 1029782 (VCV001029782.2), dbSNP rs756533019, ClinGen allele CA4087448.